The following is an entry in ClinVar:

ClinVar aggregate classification (germline): Uncertain significance (1 of 4 stars; one submission).

gnomAD v4.1: 5 of 1,612,190 alleles (0.00031%); highest among the groups gnomAD compares: African/African-American, 0.0013%; no homozygotes.

Submission:

Ambry Genetics
Classification: Uncertain significance. Last evaluated: 2024-11-30. Review status: criteria provided, single submitter. Criteria: Ambry Variant Classification Scheme 2023. Collection method: clinical testing. Allele origin: germline.
Comment: The p.F72S variant (also known as c.215T>C), located in coding exon 2 of the GEN1 gene, results from a T to C substitution at nucleotide position 215. The phenylalanine at codon 72 is replaced by serine, an amino acid with highly dissimilar properties. This amino acid position is conserved. In addition, this alteration is predicted to be deleterious by in silico analysis. Based on the available evidence, the clinical significance of this variant remains unclear.

NM_001130009.3(GEN1):c.215T>C (p.Phe72Ser)

Gene: GEN1 (GEN1 Holliday junction 5' flap endonuclease; plus strand). Cytogenetic location: 2p24.2.
Variant type: single nucleotide variant.
Coding change: c.215T>C on transcript NM_001130009.3 (MANE Select); coding-DNA position 215, T replaced by C.
Protein change: p.Phe72Ser; replaces phenylalanine 72 with serine.
Molecular consequence: missense variant.
Genome position (GRCh38, 1-based): chr2:17,761,449, T>C. VCF-style: chr2-17761449-T-C. GRCh37 (hg19) VCF-style: chr2-17942716-T-C.
Other names: c.215T>C, p.Phe72Ser (NM_182625.5); short protein forms F72S.
Identifiers: ClinVar variation 3519761 (VCV003519761.1).